The following is an entry in ClinVar:

ClinVar aggregate classification (germline): Benign. Review status: criteria provided, multiple submitters, no conflicts (2 of 4 stars). 3 submissions from 3 submitters: Benign (3). Last evaluated 2024-07-15.

Allele frequency attached by ClinVar (database versions not stated): gnomAD exomes 0.11273 and 0.13189; ExAC 0.12929; ESP Exome Variant Server 0.13428; 1000 Genomes Project 0.13638; 1000 Genomes Project 30x 0.13773; gnomAD 0.14709 and 0.15152; TOPMed 0.14757.
gnomAD v4.1: 178,983 of 1,539,228 alleles (12%); highest among the groups gnomAD compares: African/African-American, 22%; 11,546 homozygotes.

Submissions (3):

Unidad de Genómica Garrahan, Hospital de Pediatría Garrahan
Classification: Benign. Last evaluated: 2024-07-15. Review status: criteria provided, single submitter. Criteria: ACMG Guidelines, 2015. Collection method: clinical testing. Allele origin: germline. Affected: no. Observed: 23 variant alleles.
Comment: This variant is classified as Benign based on local population frequency. This variant was detected in 25% of patients studied in a panel designed for Epileptic and Developmental Encephalopathy and Progressive Myoclonus Epilepsy. Number of patients: 23. Only high quality variants are reported.

GeneDx
Classification: Benign. Last evaluated: 2018-07-15. Review status: criteria provided, single submitter. Criteria: GeneDx Variant Classification Process June 2021. Collection method: clinical testing. Allele origin: germline. Affected: yes.

Breakthrough Genomics
Classification: Benign. Review status: criteria provided, single submitter. Criteria: ACMG Guidelines, 2015. Collection method: not provided. Allele origin: germline. Inheritance: Autosomal dominant inheritance. Affected: yes.

NM_001242896.3(DEPDC5):c.4033+51G>A

Gene: DEPDC5 (DEP domain containing 5, GATOR1 subcomplex subunit; plus strand). Cytogenetic location: 22q12.3.
Variant type: single nucleotide variant.
Coding change: c.4033+51G>A on transcript NM_001242896.3 (MANE Select); 51 bases into the intron after coding-DNA position 4033, G replaced by A.
Molecular consequence: intron variant.
Genome position (GRCh38, 1-based): chr22:31,879,803, G>A. VCF-style: chr22-31879803-G-A. GRCh37 (hg19) VCF-style: chr22-32275789-G-A.
Other names: c.4033+51G>A (NM_001364318.2); c.4006+51G>A (NM_001136029.4); c.3940+51G>A (NM_014662.6, NM_001369903.1); c.3967+51G>A (NM_001363852.2, NM_001364320.2); c.3799+51G>A (NM_001363854.2, NM_001364319.2); c.3733+51G>A (NM_001242897.2); c.3949+51G>A (NM_001369902.1, NM_001369901.1).
Identifiers: ClinVar variation 1237781 (VCV001237781.6), dbSNP rs3213524, ClinGen allele CA10197162.